The following is an entry in ClinVar:

NM_001378454.1(ALMS1):c.9149C>G (p.Thr3050Ser)

Gene: ALMS1 (ALMS1 centrosome and basal body associated protein; plus strand). Cytogenetic location: 2p13.1.
Variant type: single nucleotide variant.
Coding change: c.9149C>G on transcript NM_001378454.1 (MANE Select); coding-DNA position 9149, C replaced by G.
Protein change: p.Thr3050Ser; replaces threonine 3050 with serine.
Molecular consequence: missense variant.
Genome position (GRCh38, 1-based): chr2:73,491,108, C>G. VCF-style: chr2-73491108-C-G. GRCh37 (hg19) VCF-style: chr2-73718235-C-G.
Other names: c.9152C>G, p.Thr3051Ser (NM_015120.4); short protein forms T3050S, T3051S.
Identifiers: ClinVar variation 1991876 (VCV001991876.2), dbSNP rs2103894928, ClinGen allele CA347273274.

ClinVar aggregate classification (germline): Uncertain significance (1 of 4 stars; one submission).

Conditions:
Alstrom syndrome (ALMS). Identifiers: Orphanet 64, MedGen C0268425, MONDO:0008763, OMIM 203800.

Allele frequency attached by ClinVar (database versions not stated): gnomAD exomes below 0.00001.
gnomAD v4.1: 2 of 1,614,194 alleles (0.00012%); highest among the groups gnomAD compares: East Asian, 0.0022%; no homozygotes.

Submission:

Labcorp Genetics (formerly Invitae), Labcorp
Classification: Uncertain significance for Alstrom syndrome. Last evaluated: 2023-04-24. Review status: criteria provided, single submitter. Criteria: Invitae Variant Classification Sherloc (09022015). Collection method: clinical testing. Allele origin: germline.
Comment: In summary, the available evidence is currently insufficient to determine the role of this variant in disease. Therefore, it has been classified as a Variant of Uncertain Significance. Experimental studies and prediction algorithms are not available or were not evaluated, and the functional significance of this variant is currently unknown. ClinVar contains an entry for this variant (Variation ID: 1991876). This variant has not been reported in the literature in individuals affected with ALMS1-related conditions. This variant is not present in population databases (gnomAD no frequency). This sequence change replaces threonine, which is neutral and polar, with serine, which is neutral and polar, at codon 3051 of the ALMS1 protein (p.Thr3051Ser).